The following is an entry in ClinVar:

NM_004360.5(CDH1):c.2165-3C>T

Gene: CDH1 (cadherin 1; plus strand). Cytogenetic location: 16q22.1.
Variant type: single nucleotide variant.
Coding change: c.2165-3C>T on transcript NM_004360.5 (MANE Select); 3 bases into the intron before coding-DNA position 2165, C replaced by T.
Molecular consequence: intron variant.
Genome position (GRCh38, 1-based): chr16:68,828,171, C>T. VCF-style: chr16-68828171-C-T. GRCh37 (hg19) VCF-style: chr16-68862074-C-T.
Other names: c.617-3C>T (NM_001317185.2); c.200-3C>T (NM_001317186.2); c.1982-3C>T (NM_001317184.2).
Identifiers: ClinVar variation 4632559 (VCV004632559.1).

ClinVar aggregate classification (germline): Uncertain significance (1 of 4 stars; one submission).

Conditions:
Hereditary cancer-predisposing syndrome. Also called: Neoplastic Syndromes, Hereditary; Tumor predisposition; Hereditary Cancer Syndrome; Hereditary neoplastic syndrome. Identifiers: Orphanet 140162, MedGen C0027672, MeSH D009386, MONDO:0015356.

gnomAD v4.1: 3 of 1,613,774 alleles (0.00019%); highest among the groups gnomAD compares: South Asian, 0.0011%; no homozygotes.

Submission:

Ambry Genetics
Classification: Uncertain significance for Hereditary cancer-predisposing syndrome. Last evaluated: 2025-10-30. Review status: criteria provided, single submitter. Criteria: Ambry Variant Classification Scheme 2023. Collection method: clinical testing. Allele origin: germline.
Comment: The c.2165-3C>T intronic variant results from a C to T substitution 3 nucleotides upstream from coding exon 14 in the CDH1 gene. This nucleotide position is not well conserved in available vertebrate species. In silico splice site analysis predicts that this alteration will not have any significant effect on splicing. Based on the available evidence, the clinical significance of this variant remains unclear.